The following is an entry in ClinVar:

ClinVar aggregate classification (germline): Pathogenic (1 of 4 stars; one submission).

Conditions:
Exostoses, multiple, type 2 (EXT2). Also called: Hereditary Multiple Osteochondromatosis, Type II; EXOSTOSES, MULTIPLE, TYPE II. Identifiers: Orphanet 321, MedGen C1851413, MONDO:0007586, OMIM 133701.

Submission:

Labcorp Genetics (formerly Invitae), Labcorp
Classification: Pathogenic for Exostoses, multiple, type 2. Last evaluated: 2022-06-09. Review status: criteria provided, single submitter. Criteria: Invitae Variant Classification Sherloc (09022015). Collection method: clinical testing. Allele origin: germline.
Comment: For these reasons, this variant has been classified as Pathogenic. This variant has not been reported in the literature in individuals affected with EXT2-related conditions. This variant is not present in population databases (gnomAD no frequency). This sequence change creates a premature translational stop signal (p.Leu83Glnfs*9) in the EXT2 gene. It is expected to result in an absent or disrupted protein product. Loss-of-function variants in EXT2 are known to be pathogenic (PMID: 10679937, 19810120).

Literature cited by the submitters: PubMed 10679937; PubMed 19810120.

NM_207122.2(EXT2):c.248_249del (p.Leu83fs)

Gene: EXT2 (exostosin glycosyltransferase 2; plus strand). Cytogenetic location: 11p11.2.
Variant type: Microsatellite.
Coding change: c.248_249del on transcript NM_207122.2 (MANE Select); coding-DNA positions 248 to 249, 2 bases deleted (TC; older notation c.248_249delTC).
Protein change: p.Leu83fs; shifts the reading frame from leucine 83.
Molecular consequence: frameshift variant.
Genome position (GRCh38, 1-based): chr11:44,107,960-44,107,961, TC deleted; deleting any 2 consecutive bases within chr11:44,107,958-44,107,961 gives the same sequence; the c. name uses the placement nearest the transcript's 3' end. VCF-style (leftmost placement, unchanged base first): chr11-44107957-ATC-A. GRCh37 (hg19) VCF-style: chr11-44129507-ATC-A.
Other names: c.347_348del, p.Leu116fs (NM_000401.3); c.248_249del, p.Leu83fs (NM_001178083.3, NM_001389628.1, NM_001389630.1); short protein forms L83fs, L116fs.
Identifiers: ClinVar variation 2004064 (VCV002004064.4), dbSNP rs2539515955, ClinGen allele CA2580615663.
Genomic context (GRCh38, chr11:44,107,957, plus strand): 5'-GCATCCGTGATGTGCCGGTTGTTAGGCTGCCAGCCGACAGTCCCATCCCAGAGCGGGGGG[ATC>A]TCAGTTGCAGAATGCACACGTGTTTTGATGTCTATCGCTGTGGCTTCAACCCAAAGAACA-3'